The following is an entry in ClinVar:

ClinVar aggregate classification (germline): Benign/Likely benign. Review status: criteria provided, multiple submitters, no conflicts (2 of 4 stars). 3 submissions from 3 submitters: Benign (1); Likely benign (2). Last evaluated 2025-03-03.

Conditions:
Pheochromocytoma/paraganglioma syndrome 5. Also called: Paragangliomas 5; SDHA-Related Hereditary Paraganglioma-Pheochromocytoma Syndrome. Identifiers: Orphanet 29072, MedGen C3279992, MONDO:0013602, OMIM 614165.
Hereditary cancer-predisposing syndrome. Also called: Neoplastic Syndromes, Hereditary; Tumor predisposition; Hereditary neoplastic syndrome; Hereditary Cancer Syndrome. Identifiers: Orphanet 140162, MedGen C0027672, MeSH D009386, MONDO:0015356.
Mitochondrial complex II deficiency, nuclear type 1. Also called: SUCCINATE CoQ REDUCTASE DEFICIENCY. Identifiers: Orphanet 3208, MedGen C5700310, MONDO:0100294, OMIM 252011.

Allele frequency attached by ClinVar (database versions not stated): gnomAD exomes 0.00001.
gnomAD v4.1: 3 of 1,614,118 alleles (0.00019%); highest among the groups gnomAD compares: Non-Finnish European, 0.00025%; no homozygotes.

Submissions (3):

Myriad Genetics, Inc.
Classification: Benign for Pheochromocytoma/paraganglioma syndrome 5. Last evaluated: 2025-03-03. Review status: criteria provided, single submitter. Criteria: Myriad Autosomal Dominant, Autosomal Recessive and X-Linked Classification Criteria (2023). Collection method: clinical testing. Allele origin: unknown.
Comment: This variant is considered benign. This variant is a silent/synonymous amino acid change and it is not expected to impact splicing.

Labcorp Genetics (formerly Invitae), Labcorp
Classification: Likely benign for Pheochromocytoma/paraganglioma syndrome 5; Mitochondrial complex II deficiency, nuclear type 1. Last evaluated: 2023-11-02. Review status: criteria provided, single submitter. Criteria: Invitae Variant Classification Sherloc (09022015). Collection method: clinical testing. Allele origin: germline.

Ambry Genetics
Classification: Likely benign for Hereditary cancer-predisposing syndrome. Last evaluated: 2020-07-07. Review status: criteria provided, single submitter. Criteria: Ambry Variant Classification Scheme 2023. Collection method: clinical testing. Allele origin: germline.

NM_004168.4(SDHA):c.789C>T (p.Tyr263=)

Gene: SDHA (succinate dehydrogenase complex flavoprotein subunit A; plus strand). Cytogenetic location: 5p15.33.
Variant type: single nucleotide variant.
Coding change: c.789C>T on transcript NM_004168.4 (MANE Select); coding-DNA position 789, C replaced by T.
Protein change: p.Tyr263=; no amino-acid change (tyrosine 263 retained).
Molecular consequence: synonymous variant.
Genome position (GRCh38, 1-based): chr5:230,894, C>T. VCF-style: chr5-230894-C-T. GRCh37 (hg19) VCF-style: chr5-231009-C-T.
Other names: c.645C>T, p.Tyr215= (NM_001294332.2); c.789C>T, p.Tyr263= (NM_001330758.2).
Identifiers: ClinVar variation 539696 (VCV000539696.12), dbSNP rs1553998616, ClinGen allele CA442691470.
Genomic context (GRCh38, chr5:230,894, plus strand): 5'-TGTGGGCCGCTGTGTGCAGTCACTGCTCTCTATTGTTTCCAGAGGCTACGGGCGCACCTA[C>T]TTCAGCTGCACGTCTGCCCACACCAGCACTGGCGACGGCACGGCCATGATCACCAGGGCA-3'
Protein context (NP_004159.2, residues 253-273): VVATGGYGRT[Tyr263=]FSCTSAHTST